The following is an entry in ClinVar:

ClinVar aggregate classification (germline): Uncertain significance (1 of 4 stars; one submission).

Allele frequency attached by ClinVar (database versions not stated): gnomAD exomes below 0.00001; ExAC 0.00001.
gnomAD v4.1: 1 of 1,612,548 alleles (0.000062%); highest among the groups gnomAD compares: Non-Finnish European, 0.000085%; no homozygotes.

Submission:

Labcorp Genetics (formerly Invitae), Labcorp
Classification: Uncertain significance. Last evaluated: 2024-04-16. Review status: criteria provided, single submitter. Criteria: Invitae Variant Classification Sherloc (09022015). Collection method: clinical testing. Allele origin: germline.
Comment: This sequence change replaces valine, which is neutral and non-polar, with isoleucine, which is neutral and non-polar, at codon 210 of the GATAD2B protein (p.Val210Ile). This variant is present in population databases (rs763237887, gnomAD 0.0009%). This variant has not been reported in the literature in individuals affected with GATAD2B-related conditions. Advanced modeling of protein sequence and biophysical properties (such as structural, functional, and spatial information, amino acid conservation, physicochemical variation, residue mobility, and thermodynamic stability) performed at Invitae indicates that this missense variant is not expected to disrupt GATAD2B protein function with a negative predictive value of 80%. In summary, the available evidence is currently insufficient to determine the role of this variant in disease. Therefore, it has been classified as a Variant of Uncertain Significance.

NM_020699.4(GATAD2B):c.628G>A (p.Val210Ile)

Gene: GATAD2B (GATA zinc finger domain containing 2B; minus strand). Cytogenetic location: 1q21.3.
Variant type: single nucleotide variant.
Coding change: c.628G>A on transcript NM_020699.4 (MANE Select); coding-DNA position 628, G replaced by A.
Protein change: p.Val210Ile; replaces valine 210 with isoleucine.
Molecular consequence: missense variant.
Genome position (GRCh38, 1-based): chr1:153,818,141, C>T on the plus strand (G>A on the coding strand, the complement: GATAD2B is on the minus strand). VCF-style: chr1-153818141-C-T. GRCh37 (hg19) VCF-style: chr1-153790617-C-T.
Other names: short protein forms V210I.
Identifiers: ClinVar variation 2767486 (VCV002767486.3), dbSNP rs763237887, ClinGen allele CA1120812.
Genomic context (GRCh38, chr1:153,818,141, plus strand): 5'-CAGGCCGAGAGGGAAGCTTAGATAGGCCCTGCTGTCCCACATGGGCAGGAGATGGCTGAA[C>T]AATAGATGCTGCATTCTGTACAACTGGAGTCTGGGAGAGGGAAGAGAAAATAAGACTGTG-3'
Protein context (NP_065750.1, residues 200-220): TPVVQNAASI[Val210Ile]QPSPAHVGQQ